The following is an entry in ClinVar:

NM_001903.5(CTNNA1):c.2709G>A (p.Met903Ile)

Gene: CTNNA1 (catenin alpha 1; plus strand). Cytogenetic location: 5q31.2.
Variant type: single nucleotide variant.
Coding change: c.2709G>A on transcript NM_001903.5 (MANE Select); coding-DNA position 2709, G replaced by A.
Protein change: p.Met903Ile; replaces methionine 903 with isoleucine.
Molecular consequence: missense variant. On other transcripts: 3 prime UTR variant (5).
Genome position (GRCh38, 1-based): chr5:138,934,077, G>A. VCF-style: chr5-138934077-G-A. GRCh37 (hg19) VCF-style: chr5-138269766-G-A.
Other names: c.*254G>A (NM_001324004.1, NM_001324005.1, NM_001290307.3 and 2 more transcripts); c.1260G>A, p.Met420Ile (NM_001324006.1, NM_001324007.1, NM_001324008.1 and 2 more transcripts); c.2400G>A, p.Met800Ile (NM_001290309.3); c.2340G>A, p.Met780Ile (NM_001290310.3); c.1599G>A, p.Met533Ile (NM_001290312.1, NM_001323987.1, NM_001323988.1 and 12 more transcripts); c.2709G>A, p.Met903Ile (NM_001323982.2, NM_001323983.1, NM_001323984.2); c.2682G>A, p.Met894Ile (NM_001323985.2); c.2616G>A, p.Met872Ile (NM_001323986.2); and 3 more; short protein forms M488I, M502I, M780I, M800I, M452I, M894I, M420I, M533I.
Identifiers: ClinVar variation 4825922 (VCV004825922.1).

ClinVar aggregate classification (germline): Uncertain significance (1 of 4 stars; one submission).

Conditions:
Hereditary cancer-predisposing syndrome. Also called: Neoplastic Syndromes, Hereditary; Tumor predisposition; Hereditary Cancer Syndrome; Hereditary neoplastic syndrome. Identifiers: Orphanet 140162, MedGen C0027672, MeSH D009386, MONDO:0015356.

Submission:

Ambry Genetics
Classification: Uncertain significance for Hereditary cancer-predisposing syndrome. Last evaluated: 2026-03-03. Review status: criteria provided, single submitter. Criteria: Ambry Variant Classification Scheme 2023. Collection method: clinical testing. Allele origin: germline.
Comment: The p.M903I variant (also known as c.2709G>A), located in coding exon 17 of the CTNNA1 gene, results from a G to A substitution at nucleotide position 2709. The methionine at codon 903 is replaced by isoleucine, an amino acid with highly similar properties. This amino acid position is conserved. In addition, the in silico prediction for this alteration is inconclusive. Based on the available evidence, the clinical significance of this variant remains unclear.